The following is an entry in ClinVar:

NM_000552.5(VWF):c.5761C>T (p.Arg1921Trp)

Gene: VWF (von Willebrand factor; minus strand). Cytogenetic location: 12p13.31.
Variant type: single nucleotide variant.
Coding change: c.5761C>T on transcript NM_000552.5 (MANE Select); coding-DNA position 5761, C replaced by T.
Protein change: p.Arg1921Trp; replaces arginine 1921 with tryptophan.
Molecular consequence: missense variant.
Genome position (GRCh38, 1-based): chr12:6,011,698, G>A on the plus strand (C>T on the coding strand, the complement: VWF is on the minus strand). VCF-style: chr12-6011698-G-A. GRCh37 (hg19) VCF-style: chr12-6120864-G-A.
Other names: short protein forms R1921W.
Identifiers: ClinVar variation 2682122 (VCV002682122.1), dbSNP rs563631823, ClinGen allele CA6402163.

ClinVar aggregate classification (germline): Uncertain significance (1 of 4 stars; one submission).

Allele frequency attached by ClinVar (database versions not stated): TOPMed 0.00003; gnomAD 0.00007; ExAC 0.00011; 1000 Genomes Project 30x 0.00016; 1000 Genomes Project 0.00020.
gnomAD v4.1: 81 of 1,613,878 alleles (0.005%); highest among the groups gnomAD compares: East Asian, 0.051%; no homozygotes.

Submission:

Quest Diagnostics Nichols Institute San Juan Capistrano
Classification: Uncertain significance. Last evaluated: 2023-04-24. Review status: criteria provided, single submitter. Criteria: Quest Diagnostics criteria. Collection method: clinical testing. Allele origin: unknown.
Comment: This variant has not been reported in the published literature. The frequency of this variant in the general population, 0.00059 (18/30576 chromosomes), is uninformative in assessment of its pathogenicity. Analysis of this variant using bioinformatics tools for the prediction of the effect of amino acid changes on protein structure and function yielded predictions that this variant is benign. Based on the available information, we are unable to determine the clinical significance of this variant.